The following is an entry in ClinVar:

ClinVar aggregate classification (germline): Uncertain significance (1 of 4 stars; one submission).

Submission:

Women's Health and Genetics/Laboratory Corporation of America, LabCorp
Classification: Uncertain significance. Last evaluated: 2024-11-11. Review status: criteria provided, single submitter. Criteria: LabCorp Variant Classification Summary - May 2015. Collection method: clinical testing. Allele origin: germline.
Comment: Variant summary: ZMYM2 c.3970G>A (p.Val1324Ile) results in a conservative amino acid change located in the Domain of unknown function DUF3504 (IPR021893) of the encoded protein sequence. Four of five in-silico tools predict a benign effect of the variant on protein function. The variant allele was found at a frequency of 8.1e-06 in 247470 control chromosomes. The available data on variant occurrences in the general population are insufficient to allow any conclusion about variant significance. To our knowledge, no occurrence of c.3970G>A in individuals affected with Neurodevelopmental-Craniofacial Syndrome With Variable Renal And Cardiac Abnormalities and no experimental evidence demonstrating its impact on protein function have been reported. No submitters have cited clinical-significance assessments for this variant to ClinVar. Based on the evidence outlined above, the variant was classified as uncertain significance.

NM_197968.4(ZMYM2):c.3970G>A (p.Val1324Ile)

Gene: ZMYM2 (zinc finger MYM-type containing 2; plus strand). Cytogenetic location: 13q12.11.
Variant type: single nucleotide variant.
Coding change: c.3970G>A on transcript NM_197968.4 (MANE Select); coding-DNA position 3970, G replaced by A.
Protein change: p.Val1324Ile; replaces valine 1324 with isoleucine.
Molecular consequence: missense variant. On other transcripts: non-coding transcript variant (1).
Genome position (GRCh38, 1-based): chr13:20,085,850, G>A. VCF-style: chr13-20085850-G-A. GRCh37 (hg19) VCF-style: chr13-20659990-G-A.
Other names: c.3970G>A, p.Val1324Ile (NM_001190964.4, NM_001190965.4, NM_001353157.2 and 4 more transcripts); c.3775G>A, p.Val1259Ile (NM_001353161.3); c.3709G>A, p.Val1237Ile (NM_001353163.2); short protein forms V1237I, V1259I, V1324I.
Identifiers: ClinVar variation 3629701 (VCV003629701.1).